The following is an entry in ClinVar:

ClinVar aggregate classification (germline): Uncertain significance (1 of 4 stars; one submission).

Allele frequency attached by ClinVar (database versions not stated): gnomAD exomes below 0.00001; gnomAD 0.00001; TOPMed 0.00001.
gnomAD v4.1: 5 of 1,606,338 alleles (0.00031%); highest among the groups gnomAD compares: African/African-American, 0.004%; no homozygotes.

Submission:

Labcorp Genetics (formerly Invitae), Labcorp
Classification: Uncertain significance. Last evaluated: 2023-11-02. Review status: criteria provided, single submitter. Criteria: Invitae Variant Classification Sherloc (09022015). Collection method: clinical testing. Allele origin: germline.
Comment: This sequence change falls in intron 17 of the LONP1 gene. It does not directly change the encoded amino acid sequence of the LONP1 protein. This variant is present in population databases (no rsID available, gnomAD 0.002%). This variant has not been reported in the literature in individuals affected with LONP1-related conditions. Algorithms developed to predict the effect of sequence changes on RNA splicing suggest that this variant may create or strengthen a splice site. In summary, the available evidence is currently insufficient to determine the role of this variant in disease. Therefore, it has been classified as a Variant of Uncertain Significance.

NM_004793.4(LONP1):c.2704-11T>A

Gene: LONP1 (lon peptidase 1, mitochondrial; minus strand). Cytogenetic location: 19p13.3.
Variant type: single nucleotide variant.
Coding change: c.2704-11T>A on transcript NM_004793.4 (MANE Select); 11 bases into the intron before coding-DNA position 2704, T replaced by A.
Molecular consequence: intron variant.
Genome position (GRCh38, 1-based): chr19:5,692,219, A>T on the plus strand (T>A on the coding strand, the complement: LONP1 is on the minus strand). VCF-style: chr19-5692219-A-T. GRCh37 (hg19) VCF-style: chr19-5692230-A-T.
Other names: c.2116-11T>A (NM_001276480.1); c.2512-11T>A (NM_001276479.2).
Identifiers: ClinVar variation 2795040 (VCV002795040.3), dbSNP rs1203308500, ClinGen allele CA631611957.